The following is an entry in ClinVar:

NM_014845.6(FIG4):c.1432C>G (p.Gln478Glu)

Gene: FIG4 (FIG4 phosphoinositide 5-phosphatase; plus strand). Cytogenetic location: 6q21.
Variant type: single nucleotide variant.
Coding change: c.1432C>G on transcript NM_014845.6 (MANE Select); coding-DNA position 1432, C replaced by G.
Protein change: p.Gln478Glu; replaces glutamine 478 with glutamic acid.
Molecular consequence: missense variant.
Genome position (GRCh38, 1-based): chr6:109,763,980, C>G. VCF-style: chr6-109763980-C-G. GRCh37 (hg19) VCF-style: chr6-110085183-C-G.
Other names: short protein forms Q478E.
Identifiers: ClinVar variation 1423564 (VCV001423564.4), dbSNP rs1331703765, ClinGen allele CA365226863.
Genomic context (GRCh38, chr6:109,763,980, plus strand): 5'-TTTATTTTTAAACACAGGTGGAATGAACTAGGAGGATGTGTGATTCCCACTGGTCGCCTG[C>G]AGGTATACACAGTATTACAATTCGTAATGAATAGAATCTGTATCCATTGTGTACTGTATG-3'
Protein context (NP_055660.1, residues 468-488): GGCVIPTGRL[Gln478Glu]TGILRTNCVD

ClinVar aggregate classification (germline): Uncertain significance (1 of 4 stars; one submission).

Conditions:
Charcot-Marie-Tooth disease type 4. Also called: Charcot-Marie-Tooth disease, type IV; Charcot-Marie-Tooth, Type 4. Identifiers: Orphanet 64749, MedGen C4082197, MONDO:0018995.

Allele frequency attached by ClinVar (database versions not stated): TOPMed below 0.00001; gnomAD 0.00001.
gnomAD v4.1: 2 of 1,590,682 alleles (0.00013%); highest among the groups gnomAD compares: Non-Finnish European, 0.00017%; no homozygotes.

Submission:

Labcorp Genetics (formerly Invitae), Labcorp
Classification: Uncertain significance for Charcot-Marie-Tooth disease type 4. Last evaluated: 2021-08-11. Review status: criteria provided, single submitter. Criteria: Invitae Variant Classification Sherloc (09022015). Collection method: clinical testing. Allele origin: germline.
Comment: Algorithms developed to predict the effect of missense changes on protein structure and function (SIFT, PolyPhen-2, Align-GVGD) all suggest that this variant is likely to be disruptive. In summary, the available evidence is currently insufficient to determine the role of this variant in disease. Therefore, it has been classified as a Variant of Uncertain Significance. This variant has not been reported in the literature in individuals affected with FIG4-related conditions. This sequence change replaces glutamine with glutamic acid at codon 478 of the FIG4 protein (p.Gln478Glu). The glutamine residue is highly conserved and there is a small physicochemical difference between glutamine and glutamic acid. This variant is not present in population databases (ExAC no frequency).